The following is an entry in ClinVar:

NM_001231.5(CASQ1):c.976T>C (p.Phe326Leu)

Gene: CASQ1 (calsequestrin 1; plus strand). Cytogenetic location: 1q23.2.
Variant type: single nucleotide variant.
Coding change: c.976T>C on transcript NM_001231.5 (MANE Select); coding-DNA position 976, T replaced by C.
Protein change: p.Phe326Leu; replaces phenylalanine 326 with leucine.
Molecular consequence: missense variant.
Genome position (GRCh38, 1-based): chr1:160,199,045, T>C. VCF-style: chr1-160199045-T-C. GRCh37 (hg19) VCF-style: chr1-160168835-T-C.
Other names: short protein forms F326L.
Identifiers: ClinVar variation 1718474 (VCV001718474.5), dbSNP rs1654308267, ClinGen allele CA343262137.

ClinVar aggregate classification (germline): Uncertain significance (1 of 4 stars; one submission).

Allele frequency attached by ClinVar (database versions not stated): gnomAD 0.00001.
gnomAD v4.1: 2 of 1,591,516 alleles (0.00013%); highest among the groups gnomAD compares: Non-Finnish European, 0.00017%; no homozygotes.

Submission:

Labcorp Genetics (formerly Invitae), Labcorp
Classification: Uncertain significance. Last evaluated: 2022-08-31. Review status: criteria provided, single submitter. Criteria: Invitae Variant Classification Sherloc (09022015). Collection method: clinical testing. Allele origin: germline.
Comment: In summary, the available evidence is currently insufficient to determine the role of this variant in disease. Therefore, it has been classified as a Variant of Uncertain Significance. Algorithms developed to predict the effect of missense changes on protein structure and function are either unavailable or do not agree on the potential impact of this missense change (SIFT: "Deleterious"; PolyPhen-2: "Probably Damaging"; Align-GVGD: "Class C15"). This variant has not been reported in the literature in individuals affected with CASQ1-related conditions. This variant is not present in population databases (gnomAD no frequency). This sequence change replaces phenylalanine, which is neutral and non-polar, with leucine, which is neutral and non-polar, at codon 326 of the CASQ1 protein (p.Phe326Leu).